The following is an entry in ClinVar:

NM_006079.5(CITED2):c.250C>T (p.Pro84Ser)

Gene: CITED2 (Cbp/p300 interacting transactivator with Glu/Asp rich carboxy-terminal domain 2; minus strand). Cytogenetic location: 6q24.1.
Variant type: single nucleotide variant.
Coding change: c.250C>T on transcript NM_006079.5 (MANE Select); coding-DNA position 250, C replaced by T.
Protein change: p.Pro84Ser; replaces proline 84 with serine.
Molecular consequence: missense variant.
Genome position (GRCh38, 1-based): chr6:139,373,695, G>A on the plus strand (C>T on the coding strand, the complement: CITED2 is on the minus strand). VCF-style: chr6-139373695-G-A. GRCh37 (hg19) VCF-style: chr6-139694832-G-A.
Other names: c.250C>T, p.Pro84Ser (NM_001168388.3); c.265C>T, p.Pro89Ser (NM_001168389.3); short protein forms P84S, P89S.
Identifiers: ClinVar variation 3347207 (VCV003347207.1).

ClinVar aggregate classification (germline): Uncertain significance (0 of 4 stars; one submission).

Conditions:
CITED2-related disorder. Also called: CITED2-related condition.

gnomAD v4.1: 2 of 1,611,002 alleles (0.00012%); highest among the groups gnomAD compares: South Asian, 0.0022%; no homozygotes.

Submission:

PreventionGenetics, part of Exact Sciences
Classification: Uncertain significance for CITED2-related condition. Last evaluated: 2024-04-22. Review status: no assertion criteria provided. Collection method: clinical testing. Allele origin: germline.
Comment: The CITED2 c.265C>T variant is predicted to result in the amino acid substitution p.Pro89Ser. To our knowledge, this variant has not been reported in the literature or in a large population database, indicating this variant is rare. At this time, the clinical significance of this variant is uncertain due to the absence of conclusive functional and genetic evidence.